The following is an entry in ClinVar:

NM_000179.3(MSH6):c.1839G>A (p.Leu613=)

Gene: MSH6 (mutS homolog 6; plus strand). Cytogenetic location: 2p16.3.
Variant type: single nucleotide variant.
Coding change: c.1839G>A on transcript NM_000179.3 (MANE Select); coding-DNA position 1839, G replaced by A.
Protein change: p.Leu613=; no amino-acid change (leucine 613 retained).
Molecular consequence: synonymous variant.
Genome position (GRCh38, 1-based): chr2:47,799,822, G>A. VCF-style: chr2-47799822-G-A. GRCh37 (hg19) VCF-style: chr2-48026961-G-A.
Other names: c.1449G>A, p.Leu483= (NM_001281492.2); c.933G>A, p.Leu311= (NM_001281493.2, NM_001281494.2).
Identifiers: ClinVar variation 753135 (VCV000753135.13), dbSNP rs1572724608, ClinGen allele CA426121241.

ClinVar aggregate classification (germline): Benign/Likely benign. Review status: criteria provided, multiple submitters, no conflicts (2 of 4 stars). 4 submissions from 4 submitters: Benign (1); Likely benign (3). Last evaluated 2025-09-08.

Conditions:
Hereditary cancer-predisposing syndrome. Also called: Hereditary Cancer Syndrome; Hereditary neoplastic syndrome; Neoplastic Syndromes, Hereditary; Tumor predisposition. Identifiers: Orphanet 140162, MedGen C0027672, MeSH D009386, MONDO:0015356.
Lynch syndrome 5 (LYNCH5). Also called: Hereditary non-polyposis colorectal cancer, type 5; Colorectal cancer, hereditary nonpolyposis, type 5. Identifiers: Orphanet 144, MedGen C1833477, MONDO:0013710, OMIM 614350. Disease mechanism: loss of function.
Hereditary nonpolyposis colorectal neoplasms. Identifiers: MedGen C0009405, MeSH D003123.

Submissions (4):

Women's Health and Genetics/Laboratory Corporation of America, LabCorp
Classification: Likely benign. Last evaluated: 2025-09-08. Review status: criteria provided, single submitter. Criteria: LabCorp Variant Classification Summary - May 2015. Collection method: clinical testing. Allele origin: germline.

Myriad Genetics, Inc.
Classification: Benign for Lynch syndrome 5. Last evaluated: 2024-12-27. Review status: criteria provided, single submitter. Criteria: Myriad Autosomal Dominant, Autosomal Recessive and X-Linked Classification Criteria (2023). Collection method: clinical testing. Allele origin: unknown.
Comment: This variant is considered benign. This variant is a silent/synonymous amino acid change and it is not expected to impact splicing.

Labcorp Genetics (formerly Invitae), Labcorp
Classification: Likely benign for Hereditary nonpolyposis colorectal neoplasms. Last evaluated: 2024-07-10. Review status: criteria provided, single submitter. Criteria: Invitae Variant Classification Sherloc (09022015). Collection method: clinical testing. Allele origin: germline.

Ambry Genetics
Classification: Likely benign for Hereditary cancer-predisposing syndrome. Last evaluated: 2022-01-22. Review status: criteria provided, single submitter. Criteria: Ambry Variant Classification Scheme 2023. Collection method: clinical testing. Allele origin: germline.